The following is an entry in ClinVar:

ClinVar aggregate classification (germline): Uncertain significance (1 of 4 stars; one submission).

Submission:

Labcorp Genetics (formerly Invitae), Labcorp
Classification: Uncertain significance. Last evaluated: 2023-08-24. Review status: criteria provided, single submitter. Criteria: Invitae Variant Classification Sherloc (09022015). Collection method: clinical testing. Allele origin: germline.
Comment: This sequence change falls in intron 34 of the SZT2 gene. It does not directly change the encoded amino acid sequence of the SZT2 protein. It affects a nucleotide within the consensus splice site. This variant is not present in population databases (gnomAD no frequency). This variant has not been reported in the literature in individuals affected with SZT2-related conditions. ClinVar contains an entry for this variant (Variation ID: 1374741). Variants that disrupt the consensus splice site are a relatively common cause of aberrant splicing (PMID: 17576681, 9536098). In summary, the available evidence is currently insufficient to determine the role of this variant in disease. Therefore, it has been classified as a Variant of Uncertain Significance.

Literature cited by the submitters: PubMed 17576681; PubMed 9536098.

NM_001365999.1(SZT2):c.5074_5088+5dup

Gene: SZT2 (SZT2 subunit of KICSTOR complex; plus strand). Cytogenetic location: 1p34.2.
Variant type: Duplication.
Coding change: c.5074_5088+5dup on transcript NM_001365999.1 (MANE Select); coding-DNA position 5074 through 5 bases into the intron after coding-DNA position 5088, 20 bases duplicated (ACCACCATGAATGAGGTGAG).
Molecular consequence: splice donor variant.
Genome position (GRCh38, 1-based): chr1:43,431,509-43,431,528, ACCACCATGAATGAGGTGAG duplicated; duplicating any 20 consecutive bases within chr1:43,431,505-43,431,528 gives the same sequence; the c. name uses the placement nearest the transcript's 3' end. VCF-style (leftmost placement, unchanged base first): chr1-43431504-T-TTGAGACCACCATGAATGAGG. GRCh37 (hg19) VCF-style: chr1-43897175-T-TTGAGACCACCATGAATGAGG.
Other names: c.4903_4917+5dup (NM_015284.4).
Identifiers: ClinVar variation 1374741 (VCV001374741.6), dbSNP rs2153934025, ClinGen allele CA2573132373.